The following is an entry in ClinVar:

ClinVar aggregate classification (germline): Uncertain significance (1 of 4 stars; one submission).

Conditions:
Cardiovascular phenotype. Identifiers: MedGen CN230736.

Submission:

Ambry Genetics
Classification: Uncertain significance for Cardiovascular phenotype. Last evaluated: 2026-02-11. Review status: criteria provided, single submitter. Criteria: Ambry Variant Classification Scheme 2023. Collection method: clinical testing. Allele origin: germline.
Comment: The p.Q178K variant (also known as c.532C>A), located in coding exon 5 of the SOS1 gene, results from a C to A substitution at nucleotide position 532. The glutamine at codon 178 is replaced by lysine, an amino acid with similar properties. This amino acid position is highly conserved in available vertebrate species. In addition, this alteration is predicted to be deleterious by in silico analysis. Based on the available evidence, the clinical significance of this variant remains unclear.

NM_005633.4(SOS1):c.532C>A (p.Gln178Lys)

Gene: SOS1 (SOS Ras/Rac guanine nucleotide exchange factor 1; minus strand). Cytogenetic location: 2p22.1.
Variant type: single nucleotide variant.
Coding change: c.532C>A on transcript NM_005633.4 (MANE Select); coding-DNA position 532, C replaced by A.
Protein change: p.Gln178Lys; replaces glutamine 178 with lysine.
Molecular consequence: missense variant.
Genome position (GRCh38, 1-based): chr2:39,054,802, G>T on the plus strand (C>A on the coding strand, the complement: SOS1 is on the minus strand). VCF-style: chr2-39054802-G-T. GRCh37 (hg19) VCF-style: chr2-39281943-G-T.
Other names: c.511C>A, p.Gln171Lys (NM_001382394.1); c.532C>A, p.Gln178Lys (NM_001382395.1); short protein forms Q178K, Q171K.
Identifiers: ClinVar variation 4825425 (VCV004825425.1).